The following is an entry in ClinVar:

ClinVar aggregate classification (germline): Pathogenic. Review status: criteria provided, multiple submitters, no conflicts (2 of 4 stars). 2 submissions from 2 submitters: Pathogenic (2). Last evaluated 2024-06-06.

Conditions:
Inborn genetic diseases. Identifiers: MedGen C0950123, MeSH D030342.

Allele frequency attached by ClinVar (database versions not stated): gnomAD exomes below 0.00001 and 0.00001; ExAC 0.00001; gnomAD 0.00001.
gnomAD v4.1: 9 of 1,613,884 alleles (0.00056%); highest among the groups gnomAD compares: African/African-American, 0.0027%; no homozygotes.

Submissions (2):

Labcorp Genetics (formerly Invitae), Labcorp
Classification: Pathogenic. Last evaluated: 2024-06-06. Review status: criteria provided, single submitter. Criteria: Invitae Variant Classification Sherloc (09022015). Collection method: clinical testing. Allele origin: germline.
Comment: This sequence change creates a premature translational stop signal (p.Arg442*) in the DONSON gene. It is expected to result in an absent or disrupted protein product. Loss-of-function variants in DONSON are known to be pathogenic (PMID: 28191891, 28630177). This variant is present in population databases (rs753648048, gnomAD 0.004%). This variant has not been reported in the literature in individuals affected with DONSON-related conditions. ClinVar contains an entry for this variant (Variation ID: 1069880). Algorithms developed to predict the effect of sequence changes on RNA splicing suggest that this variant may disrupt the consensus splice site. For these reasons, this variant has been classified as Pathogenic.

Ambry Genetics
Classification: Pathogenic for Inborn genetic diseases. Last evaluated: 2020-11-23. Review status: criteria provided, single submitter. Criteria: Ambry Variant Classification Scheme 2023. Collection method: clinical testing. Allele origin: germline.
Comment: The c.1324C>T (p.R442*) alteration, located in coding exon 8 of the DONSON gene, consists of a C to T substitution at nucleotide position 1324. This changes the amino acid from an arginine (R) to a stop codon at amino acid position 442. This alteration is expected to result in loss of function by premature protein truncation or nonsense-mediated mRNA decay. Based on data from the Genome Aggregation Database (gnomAD) database, the DONSON c.1324C>T alteration was observed in 0.0011% (3/282812) of total alleles studied. Based on the available evidence, this alteration is classified as pathogenic.

Literature cited by the submitters: PubMed 28191891 (cited by Labcorp Genetics (formerly Invitae), Labcorp); PubMed 28630177 (cited by Labcorp Genetics (formerly Invitae), Labcorp).

NM_017613.4(DONSON):c.1324C>T (p.Arg442Ter)

Gene: DONSON (DNA replication fork stabilization factor DONSON; minus strand). Cytogenetic location: 21q22.11.
Variant type: single nucleotide variant.
Coding change: c.1324C>T on transcript NM_017613.4 (MANE Select); coding-DNA position 1324, C replaced by T.
Protein change: p.Arg442Ter; replaces arginine 442 with a stop codon.
Molecular consequence: nonsense.
Genome position (GRCh38, 1-based): chr21:33,581,328, G>A on the plus strand (C>T on the coding strand, the complement: DONSON is on the minus strand). VCF-style: chr21-33581328-G-A. GRCh37 (hg19) VCF-style: chr21-34953634-G-A.
Other names: c.1324C>T (NM_017613.2); short protein forms R442*.
Identifiers: ClinVar variation 1069880 (VCV001069880.8), dbSNP rs753648048, ClinGen allele CA10010359.
Genomic context (GRCh38, chr21:33,581,328, plus strand): 5'-TTCTTAAAAGCTAGGTTATGCAGACTTTTATTACCTTAAGCATTTGCATTGTGGCACCTC[G>A]GAAAGCAACAGGGGACAAGAGGGTTGGAGGAAGTCCTGCCTGTGGACCTGAGGTAGCAAC-3'